The following is an entry in ClinVar:

ClinVar aggregate classification (germline): Uncertain significance (1 of 4 stars; one submission).

gnomAD v4.1: 1 of 1,211,368 alleles (0.000083%); highest among the groups gnomAD compares: Admixed American, 0.0022%; no homozygotes.

Submission:

GeneDx
Classification: Uncertain significance. Last evaluated: 2026-02-28. Review status: criteria provided, single submitter. Criteria: GeneDx Variant Classification Process June 2021. Collection method: clinical testing. Allele origin: germline.
Comment: Not observed at significant frequency in large population cohorts (gnomAD); In silico analysis supports that this missense variant has a deleterious effect on protein structure/function; Has not been previously published as pathogenic or benign to our knowledge

NM_004208.4(AIFM1):c.1442T>C (p.Met481Thr)

Genes: AIFM1 (apoptosis inducing factor mitochondria associated 1; minus strand), RAB33A (RAB33A, member RAS oncogene family; plus strand). Cytogenetic location: Xq26.1.
Variant type: single nucleotide variant.
Coding change: c.1442T>C on transcript NM_004208.4 (MANE Select); coding-DNA position 1442, T replaced by C.
Protein change: p.Met481Thr; replaces methionine 481 with threonine.
Molecular consequence: missense variant. On other transcripts: 3 prime UTR variant (1), non-coding transcript variant (1).
Genome position (GRCh38, 1-based): chrX:130,133,319, A>G on the plus strand (T>C on the coding strand, the complement: AIFM1 is on the minus strand). VCF-style: chrX-130133319-A-G. GRCh37 (hg19) VCF-style: chrX-129267294-A-G.
Other names: c.425T>C, p.Met142Thr (NM_001130846.4); c.*670T>C (NM_001130847.4); c.1430T>C, p.Met477Thr (NM_145812.3); short protein forms M142T, M477T, M481T.
Identifiers: ClinVar variation 5007953 (VCV005007953.1).